The following is an entry in ClinVar:

NM_032848.3(RITA1):c.45C>T (p.Leu15=)

Gene: RITA1 (RBPJ interacting and tubulin associated 1; plus strand). Cytogenetic location: 12q24.13.
Variant type: single nucleotide variant.
Coding change: c.45C>T on transcript NM_032848.3 (MANE Select); coding-DNA position 45, C replaced by T.
Protein change: p.Leu15=; no amino-acid change (leucine 15 retained).
Molecular consequence: synonymous variant.
Genome position (GRCh38, 1-based): chr12:113,186,791, C>T. VCF-style: chr12-113186791-C-T. GRCh37 (hg19) VCF-style: chr12-113624596-C-T.
Other names: c.117C>T, p.Leu39= (NM_001286215.2).
Identifiers: ClinVar variation 2643352 (VCV002643352.24), dbSNP rs143269921, ClinGen allele CA6804215.

ClinVar aggregate classification (germline): Likely benign (1 of 4 stars; one submission).

Allele frequency attached by ClinVar (database versions not stated): ExAC 0.00004; gnomAD 0.00007; TOPMed 0.00008; ESP Exome Variant Server 0.00015.
gnomAD v4.1: 60 of 1,613,584 alleles (0.0037%); highest among the groups gnomAD compares: East Asian, 0.016%; no homozygotes.

Submission:

CeGaT Center for Human Genetics Tuebingen
Classification: Likely benign. Last evaluated: 2022-06-01. Review status: criteria provided, single submitter. Criteria: CeGaT Center For Human Genetics Tuebingen Variant Classification Criteria Version 2. Collection method: clinical testing. Allele origin: germline. Affected: yes. Observed: 1 variant allele.
Comment: RITA1: BP4, BP7